The following is an entry in ClinVar:

NM_001048174.2(MUTYH):c.926G>A (p.Gly309Glu)

Gene: MUTYH (mutY DNA glycosylase; minus strand). Cytogenetic location: 1p34.1.
Variant type: single nucleotide variant.
Coding change: c.926G>A on transcript NM_001048174.2 (MANE Select); coding-DNA position 926, G replaced by A.
Protein change: p.Gly309Glu; replaces glycine 309 with glutamic acid.
Molecular consequence: missense variant. On other transcripts: non-coding transcript variant (2).
Genome position (GRCh38, 1-based): chr1:45,331,837, C>T on the plus strand (G>A on the coding strand, the complement: MUTYH is on the minus strand). VCF-style: chr1-45331837-C-T. GRCh37 (hg19) VCF-style: chr1-45797509-C-T.
Other names: c.926G>A, p.Gly309Glu (NM_001048171.2, NM_001048173.2, NM_001293195.2); c.929G>A, p.Gly310Glu (NM_001048172.2); c.1010G>A, p.Gly337Glu (NM_001128425.2); c.971G>A, p.Gly324Glu (NM_001293190.2); c.959G>A, p.Gly320Glu (NM_001293191.2); c.650G>A, p.Gly217Glu (NM_001293192.2, NM_001293196.2); c.581G>A, p.Gly194Glu (NM_001350650.2, NM_001350651.2); c.1001G>A, p.Gly334Glu (NM_012222.3); short protein forms G337E, G217E, G320E, G334E, G309E, G194E, G310E, G324E.
Identifiers: ClinVar variation 481797 (VCV000481797.14), dbSNP rs1553127007, ClinGen allele CA340133899.

ClinVar aggregate classification (germline): Uncertain significance. Review status: criteria provided, multiple submitters, no conflicts (2 of 4 stars). 3 submissions from 3 submitters: Uncertain significance (3). Last evaluated 2025-12-17.

Conditions:
Hereditary cancer-predisposing syndrome. Also called: Hereditary neoplastic syndrome; Hereditary Cancer Syndrome; Neoplastic Syndromes, Hereditary; Tumor predisposition. Identifiers: Orphanet 140162, MedGen C0027672, MeSH D009386, MONDO:0015356.
Familial adenomatous polyposis 2. Also called: MYH-associated polyposis; COLORECTAL ADENOMATOUS POLYPOSIS, AUTOSOMAL RECESSIVE; ADENOMAS, MULTIPLE COLORECTAL, AUTOSOMAL RECESSIVE; MUTYH-related attenuated familial adenomatous polyposis; Adenomas, multiple colorectal; FAP type 2. Identifiers: Orphanet 220460, Orphanet 247798, MedGen C3272841, MONDO:0012041, OMIM 608456.

Allele frequency attached by ClinVar (database versions not stated): TOPMed below 0.00001; gnomAD 0.00001.
gnomAD v4.1: 1 of 1,604,022 alleles (0.000062%); highest among the groups gnomAD compares: Non-Finnish European, 0.000085%; no homozygotes.

Submissions (3):

Labcorp Genetics (formerly Invitae), Labcorp
Classification: Uncertain significance for Familial adenomatous polyposis 2. Last evaluated: 2025-12-17. Review status: criteria provided, single submitter. Criteria: Invitae Variant Classification Sherloc (09022015). Collection method: clinical testing. Allele origin: germline.
Comment: This sequence change replaces glycine, which is neutral and non-polar, with glutamic acid, which is acidic and polar, at codon 337 of the MUTYH protein (p.Gly337Glu). This variant is not present in population databases (gnomAD no frequency). This variant has not been reported in the literature in individuals affected with MUTYH-related conditions. ClinVar contains an entry for this variant (Variation ID: 481797). An algorithm developed to predict the effect of missense changes on protein structure and function outputs the following: PolyPhen-2: "Benign". The glutamic acid amino acid residue is found in multiple mammalian species, which suggests that this missense change does not adversely affect protein function. In summary, the available evidence is currently insufficient to determine the role of this variant in disease. Therefore, it has been classified as a Variant of Uncertain Significance.

Ambry Genetics
Classification: Uncertain significance for Hereditary cancer-predisposing syndrome. Last evaluated: 2024-03-27. Review status: criteria provided, single submitter. Criteria: Ambry Variant Classification Scheme 2023. Collection method: clinical testing. Allele origin: germline.
Comment: The p.G337E variant (also known as c.1010G>A), located in coding exon 12 of the MUTYH gene, results from a G to A substitution at nucleotide position 1010. The glycine at codon 337 is replaced by glutamic acid, an amino acid with similar properties. This amino acid position is not well conserved in available vertebrate species. In addition, this alteration is predicted to be tolerated by in silico analysis. Since supporting evidence is limited at this time, the clinical significance of this alteration remains unclear.

Color Diagnostics, LLC DBA Color Health
Classification: Uncertain significance for Hereditary cancer-predisposing syndrome. Last evaluated: 2019-11-18. Review status: criteria provided, single submitter. Criteria: ACMG Guidelines, 2015. Collection method: clinical testing. Allele origin: germline.
Comment: This missense variant replaces glycine with glutamic acid at codon 337 of the MUTYH protein. This variant is also known by an alternative transcript (NM_001048171) as c.968G>A (p.Gly323Glu). Computational prediction suggests that this variant may not impact protein structure and function (internally defined REVEL score threshold <= 0.5, PMID: 27666373). Splice site prediction tools suggest that this variant may not impact RNA splicing. To our knowledge, functional studies have not been performed for this variant. This variant has not been reported in individuals affected with hereditary cancer in the literature. This variant has not been identified in the general population by the Genome Aggregation Database (gnomAD). The available evidence is insufficient to determine the role of this variant in disease conclusively. Therefore, this variant is classified as a Variant of Uncertain Significance.